The following is an entry in ClinVar:

NM_001009999.3(KDM1A):c.1999C>T (p.Leu667Phe)

Gene: KDM1A (lysine demethylase 1A; plus strand). Cytogenetic location: 1p36.12.
Variant type: single nucleotide variant.
Coding change: c.1999C>T on transcript NM_001009999.3 (MANE Select); coding-DNA position 1999, C replaced by T.
Protein change: p.Leu667Phe; replaces leucine 667 with phenylalanine.
Molecular consequence: missense variant.
Genome position (GRCh38, 1-based): chr1:23,079,121, C>T. VCF-style: chr1-23079121-C-T. GRCh37 (hg19) VCF-style: chr1-23405614-C-T.
Other names: c.1945C>T, p.Leu649Phe (NM_001363654.2); c.2005C>T, p.Leu669Phe (NM_001410762.1); c.1927C>T, p.Leu643Phe (NM_001410763.1, NM_015013.4); short protein forms L643F, L649F, L669F, L667F.
Identifiers: ClinVar variation 4091037 (VCV004091037.1).

ClinVar aggregate classification (germline): Uncertain significance (1 of 4 stars; one submission).

Conditions:
Inborn genetic diseases. Identifiers: MedGen C0950123, MeSH D030342.

Submission:

Ambry Genetics
Classification: Uncertain significance for Inborn genetic diseases. Last evaluated: 2025-06-29. Review status: criteria provided, single submitter. Criteria: Ambry Variant Classification Scheme 2023. Collection method: clinical testing. Allele origin: germline.
Comment: The p.L667F variant (also known as c.1999C>T), located in coding exon 17 of the KDM1A gene, results from a C to T substitution at nucleotide position 1999. The leucine at codon 667 is replaced by phenylalanine, an amino acid with highly similar properties. This amino acid position is conserved. In addition, this alteration is predicted to be deleterious by in silico analysis. Based on the available evidence, the clinical significance of this variant remains unclear.